The following is an entry in ClinVar:

ClinVar aggregate classification (germline): Benign (1 of 4 stars; one submission).

Allele frequency attached by ClinVar (database versions not stated): 1000 Genomes Project 30x 0.00265; 1000 Genomes Project 0.00319; ExAC 0.00383; gnomAD 0.00750; gnomAD exomes 0.01042.
gnomAD v4.1: 12,621 of 1,260,942 alleles (1%); highest among the groups gnomAD compares: Non-Finnish European, 1.2%; 302 homozygotes.

Submission:

CeGaT Center for Human Genetics Tuebingen
Classification: Benign. Last evaluated: 2023-02-01. Review status: criteria provided, single submitter. Criteria: CeGaT Center For Human Genetics Tuebingen Variant Classification Criteria Version 2. Collection method: clinical testing. Allele origin: germline. Affected: yes. Observed: 1 variant allele.
Comment: SULT1A1: BS1, BS2

NM_001055.4(SULT1A1):c.-5+493C>A

Gene: SULT1A1 (sulfotransferase family 1A member 1; minus strand). Cytogenetic location: 16p11.2.
Variant type: single nucleotide variant.
Coding change: c.-5+493C>A on transcript NM_001055.4 (MANE Select); 493 bases into the intron after 5 bases upstream of the start codon, C replaced by A.
Molecular consequence: intron variant. On other transcripts: 5 prime UTR variant (3).
Genome position (GRCh38, 1-based): chr16:28,609,438, G>T on the plus strand (C>A on the coding strand, the complement: SULT1A1 is on the minus strand). VCF-style: chr16-28609438-G-T. GRCh37 (hg19) VCF-style: chr16-28620759-G-T.
Other names: c.-384C>A (NM_001394422.1, NM_177530.4); c.-583C>A (NM_177534.4); c.70-2361C>A (NM_177536.5); c.-35-548C>A (NM_001394424.1); c.-5+493C>A (NM_001394425.1); c.-77-3C>A (NM_001394421.1, NM_001394423.1); c.-36+493C>A (NM_177529.3).
Identifiers: ClinVar variation 2498656 (VCV002498656.28), dbSNP rs35827316, ClinGen allele CA7983566.